The following is an entry in ClinVar:

NM_015474.4(SAMHD1):c.119C>T (p.Pro40Leu)

Gene: SAMHD1 (SAM and HD domain containing deoxynucleoside triphosphate triphosphohydrolase 1; minus strand). Cytogenetic location: 20q11.23.
Variant type: single nucleotide variant.
Coding change: c.119C>T on transcript NM_015474.4 (MANE Select); coding-DNA position 119, C replaced by T.
Protein change: p.Pro40Leu; replaces proline 40 with leucine.
Molecular consequence: missense variant.
Genome position (GRCh38, 1-based): chr20:36,951,525, G>A on the plus strand (C>T on the coding strand, the complement: SAMHD1 is on the minus strand). VCF-style: chr20-36951525-G-A. GRCh37 (hg19) VCF-style: chr20-35579928-G-A.
Other names: c.119C>T, p.Pro40Leu (NM_001363729.2, NM_001363733.2); short protein forms P40L.
Identifiers: ClinVar variation 2074147 (VCV002074147.1), dbSNP rs2515286108, ClinGen allele CA408832311.

ClinVar aggregate classification (germline): Uncertain significance (1 of 4 stars; one submission).

Conditions:
Aicardi-Goutieres syndrome 5. Identifiers: Orphanet 51, MedGen C2749659, MONDO:0013059, OMIM 612952.

Allele frequency attached by ClinVar (database versions not stated): gnomAD exomes below 0.00001.
gnomAD v4.1: 2 of 1,614,226 alleles (0.00012%); highest among the groups gnomAD compares: Admixed American, 0.0017%; no homozygotes.

Submission:

Labcorp Genetics (formerly Invitae), Labcorp
Classification: Uncertain significance for Aicardi-Goutieres syndrome 5. Last evaluated: 2022-03-20. Review status: criteria provided, single submitter. Criteria: Invitae Variant Classification Sherloc (09022015). Collection method: clinical testing. Allele origin: germline.
Comment: This sequence change replaces proline, which is neutral and non-polar, with leucine, which is neutral and non-polar, at codon 40 of the SAMHD1 protein (p.Pro40Leu). This variant is not present in population databases (gnomAD no frequency). This variant has not been reported in the literature in individuals affected with SAMHD1-related conditions. Algorithms developed to predict the effect of missense changes on protein structure and function (SIFT, PolyPhen-2, Align-GVGD) all suggest that this variant is likely to be tolerated. In summary, the available evidence is currently insufficient to determine the role of this variant in disease. Therefore, it has been classified as a Variant of Uncertain Significance.